The following is an entry in ClinVar:

NM_001184880.2(PCDH19):c.930C>T (p.His310=)

Gene: PCDH19 (protocadherin 19; minus strand). Cytogenetic location: Xq22.1.
Variant type: single nucleotide variant.
Coding change: c.930C>T on transcript NM_001184880.2 (MANE Select); coding-DNA position 930, C replaced by T.
Protein change: p.His310=; no amino-acid change (histidine 310 retained).
Molecular consequence: synonymous variant.
Genome position (GRCh38, 1-based): chrX:100,407,668, G>A on the plus strand (C>T on the coding strand, the complement: PCDH19 is on the minus strand). VCF-style: chrX-100407668-G-A. GRCh37 (hg19) VCF-style: chrX-99662666-G-A.
Other names: c.930C>T, p.His310= (NM_001105243.2, NM_020766.3).
Identifiers: ClinVar variation 2757073 (VCV002757073.17), dbSNP rs376496717, ClinGen allele CA10468935.

ClinVar aggregate classification (germline): Likely benign. Review status: criteria provided, multiple submitters, no conflicts (2 of 4 stars). 3 submissions from 3 submitters: Likely benign (3). Last evaluated 2026-09-01.

Conditions:
Developmental and epileptic encephalopathy, 9 (DEE9). Also called: PCDH19-Related X-Linked Female-Limited Epilepsy with Mental Retardation; JUBERG-HELLMAN SYNDROME; Early infantile epileptic encephalopathy 9; EPILEPSY, FEMALE-RESTRICTED, WITH MENTAL RETARDATION. Identifiers: Orphanet 101039, Orphanet 2076, MedGen C1848137, MONDO:0010246, OMIM 300088. Disease mechanism: loss of function.

Allele frequency attached by ClinVar (database versions not stated): ExAC 0.00001; TOPMed 0.00003; gnomAD 0.00005; ESP Exome Variant Server 0.00019.
gnomAD v4.1: 29 of 1,211,043 alleles (0.0024%); highest among the groups gnomAD compares: Non-Finnish European, 0.0028%; no homozygotes.

Submissions (3):

CeGaT Center for Human Genetics Tuebingen
Classification: Likely benign. Last evaluated: 2026-09-01. Review status: criteria provided, single submitter. Criteria: CeGaT Center For Human Genetics Tuebingen Variant Classification Criteria Version 2. Collection method: clinical testing. Allele origin: germline. Affected: yes. Observed: 2 variant alleles.
Comment: PCDH19: BP4, BP7, BS2

Women's Health and Genetics/Laboratory Corporation of America, LabCorp
Classification: Likely benign. Last evaluated: 2025-10-30. Review status: criteria provided, single submitter. Criteria: LabCorp Variant Classification Summary - May 2015. Collection method: clinical testing. Allele origin: germline.

Labcorp Genetics (formerly Invitae), Labcorp
Classification: Likely benign for Developmental and epileptic encephalopathy, 9. Last evaluated: 2025-10-26. Review status: criteria provided, single submitter. Criteria: Invitae Variant Classification Sherloc (09022015). Collection method: clinical testing. Allele origin: germline.